The following is an entry in ClinVar:

ClinVar aggregate classification (germline): Pathogenic (1 of 4 stars; one submission).

Conditions:
Familial cancer of breast. Also called: hereditary breast carcinoma; BREAST CANCER, FAMILIAL; Hereditary breast cancer. Identifiers: Orphanet 227535, MedGen C0346153, MONDO:0016419, OMIM 114480. Disease mechanism: loss of function.

Submission:

Myriad Genetics, Inc.
Classification: Pathogenic for Familial cancer of breast. Last evaluated: 2024-01-09. Review status: criteria provided, single submitter. Criteria: Myriad Autosomal Dominant, Autosomal Recessive and X-Linked Classification Criteria (2023). Collection method: clinical testing. Allele origin: unknown.
Comment: This variant is considered pathogenic. This variant creates a frameshift predicted to result in premature protein truncation.

NM_000051.4(ATM):c.6055dup (p.Tyr2019fs)

Genes: ATM (ATM serine/threonine kinase; plus strand), C11orf65 (chromosome 11 open reading frame 65; minus strand). Cytogenetic location: 11q22.3.
Variant type: Duplication.
Coding change: c.6055dup on transcript NM_000051.4 (MANE Select); coding-DNA position 6055, one base duplicated (T; older notation c.6055dupT).
Protein change: p.Tyr2019fs; shifts the reading frame from tyrosine 2019.
Molecular consequence: frameshift variant. On other transcripts: intron variant (2).
Genome position (GRCh38, 1-based): chr11:108,315,871, T duplicated. VCF-style (leftmost placement, unchanged base first): chr11-108315870-G-GT. GRCh37 (hg19) VCF-style: chr11-108186597-G-GT.
Other names: c.6055dup, p.Tyr2019fs (NM_001351834.2); c.641-6800dup (NM_001330368.2); c.*39-6800dup (NM_001351110.2); short protein forms Y2019fs.
Identifiers: ClinVar variation 3148350 (VCV003148350.1), dbSNP rs2547089395, ClinGen allele CA2825001849.